The following is an entry in ClinVar:

NM_000540.3(RYR1):c.2456G>A (p.Arg819Gln)

Gene: RYR1 (ryanodine receptor 1; plus strand). Cytogenetic location: 19q13.2.
Variant type: single nucleotide variant.
Coding change: c.2456G>A on transcript NM_000540.3 (MANE Select); coding-DNA position 2456, G replaced by A.
Protein change: p.Arg819Gln; replaces arginine 819 with glutamine.
Molecular consequence: missense variant.
Genome position (GRCh38, 1-based): chr19:38,460,470, G>A. VCF-style: chr19-38460470-G-A. GRCh37 (hg19) VCF-style: chr19-38951110-G-A.
Other names: c.2456G>A, p.Arg819Gln (NM_001042723.2); short protein forms R819Q.
Identifiers: ClinVar variation 418460 (VCV000418460.11), dbSNP rs752831432, ClinGen allele CA063260.
Genomic context (GRCh38, chr19:38,460,470, plus strand): 5'-TCAAGTTCCTGCCCCCACCTGGCTATGCTCCATGCCATGAGGCTGTGCTCCCTCGAGAGC[G>A]ACTCCATCTTGAACCCATCAAGGAGTATCGACGGGAGGGGCCCCGGGGGCCTCACCTGGT-3'
Protein context (NP_000531.2, residues 809-829): PCHEAVLPRE[Arg819Gln]LHLEPIKEYR

ClinVar aggregate classification (germline): Uncertain significance. Review status: criteria provided, multiple submitters, no conflicts (2 of 4 stars). 5 submissions from 5 submitters: Uncertain significance (5). Last evaluated 2025-06-29.

Conditions:
RYR1-related disorder. Also called: RYR1-related condition; RYR1-related disorders. Identifiers: MedGen CN239331.
Malignant hyperthermia, susceptibility to, 1 (MHS1). Also called: Anesthesia related hyperthermia; Malignant hyperpyrexia; Fulminating hyperpyrexia; Pharmacogenic myopathy; RYR1-Related Malignant Hyperthermia Susceptibility; Malignant hyperthermia suceptibility 1. Identifiers: Orphanet 423, MedGen C2930980, MONDO:0007783, OMIM 145600.

Allele frequency attached by ClinVar (database versions not stated): gnomAD exomes 0.00001; ExAC 0.00002; TOPMed 0.00002; gnomAD 0.00004 and 0.00005.
gnomAD v4.1: 21 of 1,614,080 alleles (0.0013%); highest among the groups gnomAD compares: South Asian, 0.0055%; no homozygotes.

Submissions (5):

Color Diagnostics, LLC DBA Color Health
Classification: Uncertain significance for Malignant hyperthermia, susceptibility to, 1. Last evaluated: 2025-06-29. Review status: criteria provided, single submitter. Criteria: ACMG Guidelines, 2015. Collection method: clinical testing. Allele origin: germline.
Comment: This missense variant replaces arginine with glutamine at codon 819 of the RYR1 protein. Computational prediction suggests that this variant may not impact protein structure and function. To our knowledge, functional studies have not been reported for this variant. This variant has not been reported in individuals affected with RYR1-related disorders in the literature. This variant has been identified in 3/251484 chromosomes in the general population by the Genome Aggregation Database (gnomAD). The available evidence is insufficient to determine the role of this variant in disease conclusively. Therefore, this variant is classified as a Variant of Uncertain Significance.

Labcorp Genetics (formerly Invitae), Labcorp
Classification: Uncertain significance for RYR1-related disorder. Last evaluated: 2024-05-14. Review status: criteria provided, single submitter. Criteria: Invitae Variant Classification Sherloc (09022015). Collection method: clinical testing. Allele origin: germline.
Comment: This sequence change replaces arginine, which is basic and polar, with glutamine, which is neutral and polar, at codon 819 of the RYR1 protein (p.Arg819Gln). This variant is present in population databases (rs752831432, gnomAD 0.007%). This variant has not been reported in the literature in individuals affected with RYR1-related conditions. ClinVar contains an entry for this variant (Variation ID: 418460). Advanced modeling of protein sequence and biophysical properties (such as structural, functional, and spatial information, amino acid conservation, physicochemical variation, residue mobility, and thermodynamic stability) has been performed at Invitae for this missense variant, however the output from this modeling did not meet the statistical confidence thresholds required to predict the impact of this variant on RYR1 protein function. In summary, the available evidence is currently insufficient to determine the role of this variant in disease. Therefore, it has been classified as a Variant of Uncertain Significance.

All of Us Research Program, National Institutes of Health
Classification: Uncertain significance for Malignant hyperthermia, susceptibility to, 1. Last evaluated: 2023-12-01. Review status: criteria provided, single submitter. Criteria: ACMG Guidelines, 2015. Collection method: clinical testing. Allele origin: germline. Inheritance: Autosomal dominant inheritance. Observed: 3 variant alleles, 3 heterozygotes.
Comment: This study involves interpretation of variants in research participants for the purpose of population health screening. Participant phenotype was not available at the time of variant classification. Additional details can be found in publication PMID: 35346344, PMCID: PMC8962531

Revvity Omics, Revvity
Classification: Uncertain significance. Last evaluated: 2021-03-19. Review status: criteria provided, single submitter. Criteria: ACMG Guidelines, 2015. Collection method: clinical testing. Allele origin: germline.

GeneDx
Classification: Uncertain significance. Last evaluated: 2017-10-24. Review status: criteria provided, single submitter. Criteria: GeneDx Variant Classification (06012015). Collection method: clinical testing. Allele origin: germline. Affected: yes.
Comment: The R819Q variant in the RYR1 gene has not been reported previously as a pathogenic variant nor as a benign variant, to our knowledge. The R819Q variant was not observed in approximately 6500 individuals of European and African American ancestry in the NHLBI Exome Sequencing Project, indicating it is not a common benign variant in these populations. The R819Q variant is a semi-conservative amino acid substitution, which may impact secondary protein structure as these residues differ in some properties. This substitution occurs at a position where amino acids with similar properties as Arginine are tolerated across species. In silico analysis is inconsistent in its predictions as to whether or not the variant is damaging to the protein structure/function. We interpret R819Q as a variant of uncertain significance.